The following is an entry in ClinVar:

NM_000057.4(BLM):c.736G>C (p.Val246Leu)

Gene: BLM (BLM RecQ like helicase; plus strand). Cytogenetic location: 15q26.1.
Variant type: single nucleotide variant.
Coding change: c.736G>C on transcript NM_000057.4 (MANE Select); coding-DNA position 736, G replaced by C.
Protein change: p.Val246Leu; replaces valine 246 with leucine.
Molecular consequence: missense variant. On other transcripts: 5 prime UTR variant (1).
Genome position (GRCh38, 1-based): chr15:90,750,004, G>C. VCF-style: chr15-90750004-G-C. GRCh37 (hg19) VCF-style: chr15-91293234-G-C.
Other names: c.736G>C, p.Val246Leu (NM_001287246.2, NM_001287247.2); c.-556G>C (NM_001287248.2); short protein forms V246L.
Identifiers: ClinVar variation 944967 (VCV000944967.10), dbSNP rs1895637254, ClinGen allele CA393841444.

ClinVar aggregate classification (germline): Uncertain significance (1 of 4 stars; one submission).

Conditions:
Bloom syndrome (BLM). Also called: Bloom-Torre-Machacek syndrome. Identifiers: Orphanet 125, MedGen C0005859, MONDO:0008876, OMIM 210900.

Submission:

Labcorp Genetics (formerly Invitae), Labcorp
Classification: Uncertain significance for Bloom syndrome. Last evaluated: 2019-04-30. Review status: criteria provided, single submitter. Criteria: Invitae Variant Classification Sherloc (09022015). Collection method: clinical testing. Allele origin: germline.
Comment: In summary, the available evidence is currently insufficient to determine the role of this variant in disease. Therefore, it has been classified as a Variant of Uncertain Significance. Algorithms developed to predict the effect of missense changes on protein structure and function (SIFT, PolyPhen-2, Align-GVGD) all suggest that this variant is likely to be tolerated, but these predictions have not been confirmed by published functional studies and their clinical significance is uncertain. This variant has not been reported in the literature in individuals with BLM-related conditions. This variant is not present in population databases (ExAC no frequency). This sequence change replaces valine with leucine at codon 246 of the BLM protein (p.Val246Leu). The valine residue is weakly conserved and there is a small physicochemical difference between valine and leucine.